The following is an entry in ClinVar:

ClinVar aggregate classification (germline): Pathogenic (1 of 4 stars; one submission).

Submission:

Labcorp Genetics (formerly Invitae), Labcorp
Classification: Pathogenic. Last evaluated: 2023-06-15. Review status: criteria provided, single submitter. Criteria: Invitae Variant Classification Sherloc (09022015). Collection method: clinical testing. Allele origin: unknown.
Comment: For these reasons, this variant has been classified as Pathogenic. This variant has not been reported in the literature in individuals affected with DOCK8-related conditions. This variant is a gross deletion of the genomic region encompassing exon(s) 2-6 of the DOCK8 gene. This deletion is out-of-frame, and is expected to create a premature termination codon and result in an absent or disrupted protein product. Loss-of-function variants in DOCK8 are known to be pathogenic (PMID: 14722525, 19776401).

Literature cited by the submitters: PubMed 14722525; PubMed 19776401.

NC_000009.11:g.(?_271607)_(312186_?)del

Gene: DOCK8 (dedicator of cytokinesis 8; plus strand). Cytogenetic location: 9p24.3.
Variant type: Deletion.
Identifiers: ClinVar variation 3245208 (VCV003245208.1).